The following is an entry in ClinVar:

NM_003282.4(TNNI2):c.15+8G>C

Gene: TNNI2 (troponin I2, fast skeletal type; plus strand). Cytogenetic location: 11p15.5.
Variant type: single nucleotide variant.
Coding change: c.15+8G>C on transcript NM_003282.4 (MANE Select); 8 bases into the intron after coding-DNA position 15, G replaced by C.
Molecular consequence: intron variant.
Genome position (GRCh38, 1-based): chr11:1,839,863, G>C. VCF-style: chr11-1839863-G-C. GRCh37 (hg19) VCF-style: chr11-1861093-G-C.
Other names: c.15+8G>C (NM_001145829.2).
Identifiers: ClinVar variation 512393 (VCV000512393.1), dbSNP rs201811386, ClinGen allele CA5815022.

ClinVar aggregate classification (germline): Likely benign (1 of 4 stars; one submission).

Allele frequency attached by ClinVar (database versions not stated): gnomAD 0.00001; gnomAD exomes 0.00001 and 0.00002; ExAC 0.00002.

Submission:

GeneDx
Classification: Likely benign. Last evaluated: 2017-09-29. Review status: criteria provided, single submitter. Criteria: GeneDx Variant Classification (06012015). Collection method: clinical testing. Allele origin: germline. Affected: yes.
Comment: This variant is considered likely benign or benign based on one or more of the following criteria: it is a conservative change, it occurs at a poorly conserved position in the protein, it is predicted to be benign by multiple in silico algorithms, and/or has population frequency not consistent with disease.